The following is an entry in ClinVar:

ClinVar aggregate classification (germline): Uncertain significance (1 of 4 stars; one submission).

Conditions:
Cardiovascular phenotype. Identifiers: MedGen CN230736.

Submission:

Ambry Genetics
Classification: Uncertain significance for Cardiovascular phenotype. Last evaluated: 2022-01-26. Review status: criteria provided, single submitter. Criteria: Ambry Variant Classification Scheme 2023. Collection method: clinical testing. Allele origin: germline.
Comment: The p.G53V variant (also known as c.158G>T), located in coding exon 1 of the MYPN gene, results from a G to T substitution at nucleotide position 158. The glycine at codon 53 is replaced by valine, an amino acid with dissimilar properties. This amino acid position is well conserved in available vertebrate species. In addition, this alteration is predicted to be tolerated by in silico analysis. Since supporting evidence is limited at this time, the clinical significance of this alteration remains unclear.

NM_032578.4(MYPN):c.158G>T (p.Gly53Val)

Gene: MYPN (myopalladin; plus strand). Cytogenetic location: 10q21.3.
Variant type: single nucleotide variant.
Coding change: c.158G>T on transcript NM_032578.4 (MANE Select); coding-DNA position 158, G replaced by T.
Protein change: p.Gly53Val; replaces glycine 53 with valine.
Molecular consequence: missense variant. On other transcripts: 5 prime UTR variant (1), non-coding transcript variant (1).
Genome position (GRCh38, 1-based): chr10:68,121,596, G>T. VCF-style: chr10-68121596-G-T. GRCh37 (hg19) VCF-style: chr10-69881353-G-T.
Other names: c.158G>T, p.Gly53Val (NM_001256267.2); c.-965G>T (NM_001256268.2); short protein forms G53V.
Identifiers: ClinVar variation 1775890 (VCV001775890.2), dbSNP rs2042243303, ClinGen allele CA377103724.